The following is an entry in ClinVar:

ClinVar aggregate classification (germline): Likely benign. Review status: criteria provided, multiple submitters, no conflicts (2 of 4 stars). 2 submissions from 2 submitters: Likely benign (2). Last evaluated 2023-06-07.

Allele frequency attached by ClinVar (database versions not stated): ExAC 0.00001; gnomAD exomes 0.00001; 1000 Genomes Project 30x 0.00016; 1000 Genomes Project 0.00020.
gnomAD v4.1: 9 of 1,614,226 alleles (0.00056%); highest among the groups gnomAD compares: East Asian, 0.02%; no homozygotes.

Submissions (2):

Labcorp Genetics (formerly Invitae), Labcorp
Classification: Likely benign. Last evaluated: 2023-06-07. Review status: criteria provided, single submitter. Criteria: Invitae Variant Classification Sherloc (09022015). Collection method: clinical testing. Allele origin: germline.

GeneDx
Classification: Likely benign. Last evaluated: 2017-03-10. Review status: criteria provided, single submitter. Criteria: GeneDx Variant Classification (06012015). Collection method: clinical testing. Allele origin: germline. Affected: yes.
Comment: This variant is considered likely benign or benign based on one or more of the following criteria: it is a conservative change, it occurs at a poorly conserved position in the protein, it is predicted to be benign by multiple in silico algorithms, and/or has population frequency not consistent with disease.

NM_174889.5(NDUFAF2):c.127+11G>T

Gene: NDUFAF2 (NADH:ubiquinone oxidoreductase complex assembly factor 2; plus strand). Cytogenetic location: 5q12.1.
Variant type: single nucleotide variant.
Coding change: c.127+11G>T on transcript NM_174889.5 (MANE Select); 11 bases into the intron after coding-DNA position 127, G replaced by T.
Molecular consequence: intron variant.
Genome position (GRCh38, 1-based): chr5:60,945,393, G>T. VCF-style: chr5-60945393-G-T. GRCh37 (hg19) VCF-style: chr5-60241220-G-T.
Identifiers: ClinVar variation 507811 (VCV000507811.4), dbSNP rs181500190, ClinGen allele CA3278082.